The following is an entry in ClinVar:

NM_024685.4(BBS10):c.1187_1188del (p.Ser396fs)

Gene: BBS10 (Bardet-Biedl syndrome 10; minus strand). Cytogenetic location: 12q21.2.
Variant type: Microsatellite.
Coding change: c.1187_1188del on transcript NM_024685.4 (MANE Select); coding-DNA positions 1187 to 1188, 2 bases deleted (CT; older notation c.1187_1188delCT).
Protein change: p.Ser396fs; shifts the reading frame from serine 396.
Molecular consequence: frameshift variant.
Genome position (GRCh38, 1-based): chr12:76,346,797-76,346,798, AG deleted on the plus strand (CT on the coding strand, the reverse complement: BBS10 is on the minus strand); deleting any 2 consecutive bases within chr12:76,346,797-76,346,800 gives the same sequence; the c. name uses the placement nearest the transcript's 3' end. VCF-style (leftmost placement, unchanged base first): chr12-76346796-TAG-T. GRCh37 (hg19) VCF-style: chr12-76740576-TAG-T.
Other names: short protein forms S396fs.
Identifiers: ClinVar variation 553858 (VCV000553858.5), dbSNP rs1555202636, ClinGen allele CA658823427.

ClinVar aggregate classification (germline): Pathogenic. Review status: criteria provided, single submitter (1 of 4 stars). 2 submissions from 2 submitters: Pathogenic (1). 1 of the submissions does not count toward it. Last evaluated 2024-05-04.

Conditions:
Bardet-Biedl syndrome (BBS). Identifiers: Orphanet 110, MedGen C0752166, MONDO:0015229.
Bardet-Biedl syndrome 10 (BBS10). Identifiers: Orphanet 110, MedGen C1859568, MONDO:0014438, OMIM 615987.

Submissions (2):

Labcorp Genetics (formerly Invitae), Labcorp
Classification: Pathogenic for Bardet-Biedl syndrome. Last evaluated: 2024-05-04. Review status: criteria provided, single submitter. Criteria: Invitae Variant Classification Sherloc (09022015). Collection method: clinical testing. Allele origin: germline.
Comment: This sequence change creates a premature translational stop signal (p.Ser396Tyrfs*12) in the BBS10 gene. While this is not anticipated to result in nonsense mediated decay, it is expected to disrupt the last 328 amino acid(s) of the BBS10 This variant is not present in population databases (gnomAD no frequency). This variant has not been reported in the literature in individuals affected with BBS10-related conditions. ClinVar contains an entry for this variant (Variation ID: 553858). This variant disrupts a region of the BBS10 protein in which other variant(s) (p.Arg709*) have been determined to be pathogenic (PMID: 29666954). This suggests that this is a clinically significant region of the protein, and that variants that disrupt it are likely to be disease-causing. For these reasons, this variant has been classified as Pathogenic.

Counsyl
Classification: Likely pathogenic for Bardet-Biedl syndrome 10. Last evaluated: 2017-09-15. Review status: no assertion criteria provided. Collection method: clinical testing. Allele origin: unknown. Not counted in ClinVar's aggregate classification.

Literature cited by the submitters: PubMed 29666954 (cited by Labcorp Genetics (formerly Invitae), Labcorp).